The following is an entry in ClinVar:

ClinVar aggregate classification (germline): Pathogenic. Review status: reviewed by expert panel (3 of 4 stars). 3 submissions from 3 submitters: Pathogenic (1). 2 of the submissions do not count toward it. Last evaluated 2016-09-08.

Conditions:
Hereditary breast ovarian cancer syndrome. Also called: Breast and ovarian cancer; Hereditary breast and ovarian cancer; Hereditary breast and ovarian cancer syndrome; BRCA1- and BRCA2-Associated Hereditary Breast and Ovarian Cancer; Hereditary breast and ovarian cancer syndrome (HBOC); Hereditary breast and/or ovarian cancer syndrome. Identifiers: Orphanet 145, MedGen C0677776, MeSH D061325, MONDO:0003582. Disease mechanism: loss of function.
Breast-ovarian cancer, familial, susceptibility to, 2 (BROVCA2). Also called: BRCA2 Hereditary Breast and Ovarian Cancer. Identifiers: Orphanet 145, MedGen C2675520, MONDO:0012933, OMIM 612555. Disease mechanism: loss of function.

Submissions (3):

Evidence-based Network for the Interpretation of Germline Mutant Alleles (ENIGMA)
Classification: Pathogenic for Breast-ovarian cancer, familial, susceptibility to, 2. Last evaluated: 2016-09-08. Review status: reviewed by expert panel. Criteria: ENIGMA BRCA1/2 Classification Criteria (2015). Collection method: curation. Allele origin: germline.
Comment: Variant allele predicted to encode a truncated non-functional protein.

Labcorp Genetics (formerly Invitae), Labcorp
Classification: Pathogenic for Hereditary breast ovarian cancer syndrome. Last evaluated: 2023-05-29. Review status: criteria provided, single submitter. Criteria: Invitae Variant Classification Sherloc (09022015). Collection method: clinical testing. Allele origin: germline. Not counted in ClinVar's aggregate classification.
Comment: For these reasons, this variant has been classified as Pathogenic. ClinVar contains an entry for this variant (Variation ID: 91453). This variant has not been reported in the literature in individuals affected with BRCA2-related conditions. This variant is not present in population databases (gnomAD no frequency). This sequence change creates a premature translational stop signal (p.Lys2196*) in the BRCA2 gene. It is expected to result in an absent or disrupted protein product. Loss-of-function variants in BRCA2 are known to be pathogenic (PMID: 20104584).

Sharing Clinical Reports Project (SCRP)
Classification: Pathogenic for Breast-ovarian cancer, familial 2. Last evaluated: 2012-12-13. Review status: no assertion criteria provided. Collection method: clinical testing. Allele origin: germline. Not counted in ClinVar's aggregate classification.

Literature cited by the submitters: PubMed 20104584 (cited by Labcorp Genetics (formerly Invitae), Labcorp).

NM_000059.4(BRCA2):c.6586A>T (p.Lys2196Ter)

Gene: BRCA2 (BRCA2 DNA repair associated; plus strand). Cytogenetic location: 13q13.1.
Variant type: single nucleotide variant.
Coding change: c.6586A>T on transcript NM_000059.4 (MANE Select); coding-DNA position 6586, A replaced by T.
Protein change: p.Lys2196Ter; replaces lysine 2196 with a stop codon.
Molecular consequence: nonsense.
Genome position (GRCh38, 1-based): chr13:32,340,941, A>T. VCF-style: chr13-32340941-A-T. GRCh37 (hg19) VCF-style: chr13-32915078-A-T.
Other names: short protein forms K2196*.
Identifiers: ClinVar variation 91453 (VCV000091453.5), dbSNP rs398122561, ClinGen allele CA024190.